The following is an entry in ClinVar:

NM_015178.3(RHOBTB2):c.105T>C (p.Ala35=)

Gene: RHOBTB2 (Rho related BTB domain containing 2; plus strand). Cytogenetic location: 8p21.3.
Variant type: single nucleotide variant.
Coding change: c.105T>C on transcript NM_015178.3 (MANE Select); coding-DNA position 105, T replaced by C.
Protein change: p.Ala35=; no amino-acid change (alanine 35 retained).
Molecular consequence: synonymous variant.
Genome position (GRCh38, 1-based): chr8:23,004,539, T>C. VCF-style: chr8-23004539-T-C. GRCh37 (hg19) VCF-style: chr8-22862052-T-C.
Other names: c.171T>C, p.Ala57= (NM_001160036.2); c.126T>C, p.Ala42= (NM_001160037.2); c.105T>C, p.Ala35= (NM_001374791.1).
Identifiers: ClinVar variation 4872345 (VCV004872345.2).

ClinVar aggregate classification (germline): Likely benign (1 of 4 stars; one submission).

Submission:

CeGaT Center for Human Genetics Tuebingen
Classification: Likely benign. Last evaluated: 2026-05-01. Review status: criteria provided, single submitter. Criteria: CeGaT Center For Human Genetics Tuebingen Variant Classification Criteria Version 2. Collection method: clinical testing. Allele origin: germline. Affected: yes. Observed: 1 variant allele.
Comment: RHOBTB2: PM2:Supporting, BP4, BP7